The following is an entry in ClinVar:

ClinVar aggregate classification (germline): Uncertain significance (1 of 4 stars; one submission).

Conditions:
Dilated cardiomyopathy 1II (CMD1II). Identifiers: Orphanet 154, MedGen C3554649, MONDO:0014073, OMIM 615184.

Allele frequency attached by ClinVar (database versions not stated): gnomAD exomes below 0.00001 and 0.00001; TOPMed 0.00002.
gnomAD v4.1: 8 of 1,613,962 alleles (0.0005%); highest among the groups gnomAD compares: Non-Finnish European, 0.00059%; no homozygotes.

Submission:

Labcorp Genetics (formerly Invitae), Labcorp
Classification: Uncertain significance for Dilated cardiomyopathy 1II. Last evaluated: 2025-07-21. Review status: criteria provided, single submitter. Criteria: Invitae Variant Classification Sherloc (09022015). Collection method: clinical testing. Allele origin: germline.
Comment: This sequence change replaces serine, which is neutral and polar, with alanine, which is neutral and non-polar, at codon 153 of the CRYAB protein (p.Ser153Ala). This variant is present in population databases (no rsID available, gnomAD 0.0009%). This variant has not been reported in the literature in individuals affected with CRYAB-related conditions. ClinVar contains an entry for this variant (Variation ID: 1503314). An algorithm developed to predict the effect of missense changes on protein structure and function outputs the following: PolyPhen-2: "Benign". The alanine amino acid residue is found in multiple mammalian species, which suggests that this missense change does not adversely affect protein function. In summary, the available evidence is currently insufficient to determine the role of this variant in disease. Therefore, it has been classified as a Variant of Uncertain Significance.

NM_001289808.2(CRYAB):c.457T>G (p.Ser153Ala)

Gene: CRYAB (crystallin alpha B; minus strand). Cytogenetic location: 11q23.1.
Variant type: single nucleotide variant.
Coding change: c.457T>G on transcript NM_001289808.2 (MANE Select); coding-DNA position 457, T replaced by G.
Protein change: p.Ser153Ala; replaces serine 153 with alanine.
Molecular consequence: missense variant.
Genome position (GRCh38, 1-based): chr11:111,908,835, A>C on the plus strand (T>G on the coding strand, the complement: CRYAB is on the minus strand). VCF-style: chr11-111908835-A-C. GRCh37 (hg19) VCF-style: chr11-111779559-A-C.
Other names: c.457T>G, p.Ser153Ala (NM_001289807.1, NM_001368245.1, NM_001885.3); c.256T>G, p.Ser86Ala (NM_001330379.1, NM_001368246.1); short protein forms S153A, S86A.
Identifiers: ClinVar variation 1503314 (VCV001503314.6), dbSNP rs1160682106, ClinGen allele CA382595837.